The following is an entry in ClinVar:

NM_018834.6(MATR3):c.2078A>G (p.Lys693Arg)

Genes: MATR3 (matrin 3; plus strand), LOC126807526 (CDK7 strongly-dependent group 2 enhancer GRCh37_chr5:138657767-138658966; plus strand). Cytogenetic location: 5q31.2.
Variant type: single nucleotide variant.
Coding change: c.2078A>G on transcript NM_018834.6 (MANE Select); coding-DNA position 2078, A replaced by G.
Protein change: p.Lys693Arg; replaces lysine 693 with arginine.
Molecular consequence: missense variant.
Genome position (GRCh38, 1-based): chr5:139,322,897, A>G. VCF-style: chr5-139322897-A-G. GRCh37 (hg19) VCF-style: chr5-138658586-A-G.
Other names: c.2078A>G, p.Lys693Arg (NM_001194954.2, NM_001194955.2, NM_001400441.1 and 16 more transcripts); c.1214A>G, p.Lys405Arg (NM_001194956.2); c.1064A>G, p.Lys355Arg (NM_001282278.2, NM_001400460.1, NM_001400462.1 and 5 more transcripts); c.1217A>G, p.Lys406Arg (NM_001400459.1); c.1178A>G, p.Lys393Arg (NM_001400461.1); short protein forms K355R, K693R, K393R, K405R, K406R.
Identifiers: ClinVar variation 4697839 (VCV004697839.1).
Genomic context (GRCh38, chr5:139,322,897, plus strand): 5'-GTTCAGTGGGAGACGAGACCGATCTTGCTAATTTAGGTGATGTGGCTTCTGATGGGAAAA[A>G]GGAACCATCAGATAAAGCTGTGAAAAAAGATGGAAGTGCTTCAGCAGCAGCAAAGAAAAA-3'
Protein context (NP_061322.2, residues 683-703): NLGDVASDGK[Lys693Arg]EPSDKAVKKD

ClinVar aggregate classification (germline): Uncertain significance (1 of 4 stars; one submission).

Conditions:
Amyotrophic lateral sclerosis type 21. Also called: VOCAL CORD AND PHARYNGEAL DYSFUNCTION WITH DISTAL MYOPATHY; MYOPATHY, DISTAL, 2. Identifiers: Orphanet 600, Orphanet 803, MedGen C3807521, MONDO:0011632, OMIM 606070.

gnomAD v4.1: 1 of 1,613,902 alleles (0.000062%); highest among the groups gnomAD compares: Non-Finnish European, 0.000085%; no homozygotes.

Submission:

Labcorp Genetics (formerly Invitae), Labcorp
Classification: Uncertain significance for Amyotrophic lateral sclerosis type 21. Last evaluated: 2025-05-30. Review status: criteria provided, single submitter. Criteria: Invitae Variant Classification Sherloc (09022015). Collection method: clinical testing. Allele origin: germline.
Comment: This sequence change replaces lysine, which is basic and polar, with arginine, which is basic and polar, at codon 693 of the MATR3 protein (p.Lys693Arg). This variant is not present in population databases (gnomAD no frequency). This variant has not been reported in the literature in individuals affected with MATR3-related conditions. Invitae Evidence Modeling of protein sequence and biophysical properties (such as structural, functional, and spatial information, amino acid conservation, physicochemical variation, residue mobility, and thermodynamic stability) indicates that this missense variant is not expected to disrupt MATR3 protein function with a negative predictive value of 80%. In summary, the available evidence is currently insufficient to determine the role of this variant in disease. Therefore, it has been classified as a Variant of Uncertain Significance.